The following is an entry in ClinVar:

NM_000238.4(KCNH2):c.3358C>G (p.Leu1120Val)

Gene: KCNH2 (potassium voltage-gated channel subfamily H member 2; minus strand). Cytogenetic location: 7q36.1.
Variant type: single nucleotide variant.
Coding change: c.3358C>G on transcript NM_000238.4 (MANE Select); coding-DNA position 3358, C replaced by G.
Protein change: p.Leu1120Val; replaces leucine 1120 with valine.
Molecular consequence: missense variant.
Genome position (GRCh38, 1-based): chr7:150,945,487, G>C on the plus strand (C>G on the coding strand, the complement: KCNH2 is on the minus strand). VCF-style: chr7-150945487-G-C. GRCh37 (hg19) VCF-style: chr7-150642575-G-C.
Other names: c.2338C>G, p.Leu780Val (NM_172057.3); short protein forms L1120V, L780V.
Identifiers: ClinVar variation 661932 (VCV000661932.10), dbSNP rs1584839287, ClinGen allele CA369851572.

ClinVar aggregate classification (germline): Uncertain significance. Review status: criteria provided, multiple submitters, no conflicts (2 of 4 stars). 3 submissions from 3 submitters: Uncertain significance (3). Last evaluated 2026-01-04.

Conditions:
Cardiovascular phenotype. Identifiers: MedGen CN230736.
Cardiac arrhythmia. Also called: Arrhythmia; Cardiac rhythm disease. Identifiers: MedGen C0003811, MONDO:0007263, HP:0011675.
Long QT syndrome (LQTS). Identifiers: MedGen C0023976, MeSH D008133, MONDO:0002442. Disease mechanism: loss of function. Inheritance: Various modes of inheritance.

Allele frequency attached by ClinVar (database versions not stated): gnomAD exomes below 0.00001; TOPMed below 0.00001.
gnomAD v4.1: 1 of 1,559,798 alleles (0.000064%); highest among the groups gnomAD compares: Non-Finnish European, 0.000087%; no homozygotes.

Submissions (3):

Labcorp Genetics (formerly Invitae), Labcorp
Classification: Uncertain significance for Long QT syndrome. Last evaluated: 2026-01-04. Review status: criteria provided, single submitter. Criteria: Invitae Variant Classification Sherloc (09022015). Collection method: clinical testing. Allele origin: germline.
Comment: This sequence change replaces leucine, which is neutral and non-polar, with valine, which is neutral and non-polar, at codon 1120 of the KCNH2 protein (p.Leu1120Val). This variant is not present in population databases (gnomAD no frequency). This variant has not been reported in the literature in individuals affected with KCNH2-related conditions. ClinVar contains an entry for this variant (Variation ID: 661932). An algorithm developed to predict the effect of missense changes on protein structure and function (PolyPhen-2) suggests that this variant is likely to be tolerated. In summary, the available evidence is currently insufficient to determine the role of this variant in disease. Therefore, it has been classified as a Variant of Uncertain Significance.

Ambry Genetics
Classification: Uncertain significance for Cardiovascular phenotype. Last evaluated: 2025-07-01. Review status: criteria provided, single submitter. Criteria: Ambry Variant Classification Scheme 2023. Collection method: clinical testing. Allele origin: germline.
Comment: The p.L1120V variant (also known as c.3358C>G), located in coding exon 15 of the KCNH2 gene, results from a C to G substitution at nucleotide position 3358. The leucine at codon 1120 is replaced by valine, an amino acid with highly similar properties. This amino acid position is well conserved in available vertebrate species. In addition, the in silico prediction for this alteration is inconclusive. Based on the available evidence, the clinical significance of this variant remains unclear.

Color Diagnostics, LLC DBA Color Health
Classification: Uncertain significance for Cardiac arrhythmia. Last evaluated: 2024-10-15. Review status: criteria provided, single submitter. Criteria: ACMG Guidelines, 2015. Collection method: clinical testing. Allele origin: germline.
Comment: This missense variant replaces leucine with valine at codon 1120 of the KCNH2 protein. Computational prediction is inconclusive regarding the impact of this variant on protein structure and function (internally defined REVEL score threshold 0.5 < inconclusive < 0.7, PMID: 27666373). To our knowledge, functional studies have not been reported for this variant. This variant has not been reported in individuals affected with KCNH2-related disorders in the literature. This variant has not been identified in the general population by the Genome Aggregation Database (gnomAD). The available evidence is insufficient to determine the role of this variant in disease conclusively. Therefore, this variant is classified as a Variant of Uncertain Significance.